The following is an entry in ClinVar:

NM_014049.5(ACAD9):c.658G>C (p.Ala220Pro)

Gene: ACAD9 (acyl-CoA dehydrogenase family member 9; plus strand). Cytogenetic location: 3q21.3.
Variant type: single nucleotide variant.
Coding change: c.658G>C on transcript NM_014049.5 (MANE Select); coding-DNA position 658, G replaced by C.
Protein change: p.Ala220Pro; replaces alanine 220 with proline.
Molecular consequence: missense variant. On other transcripts: non-coding transcript variant (1).
Genome position (GRCh38, 1-based): chr3:128,899,311, G>C. VCF-style: chr3-128899311-G-C. GRCh37 (hg19) VCF-style: chr3-128618154-G-C.
Other names: c.289G>C, p.Ala97Pro (NM_001410805.1); short protein forms A220P, A97P.
Identifiers: ClinVar variation 3255109 (VCV003255109.4), dbSNP rs2529261876.
Genomic context (GRCh38, chr3:128,899,311, plus strand): 5'-TTTGGTTTTCTCCAAAGTCCATCTTTCTGTCCTCAGGTCTGGATTACTAATGGAGGACTG[G>C]CCAATATTTTTACTGTGTTTGCAAAGACTGAGGTCGTTGATTCTGATGGATCAGTGAAAG-3'
Protein context (NP_054768.2, residues 210-230): SKVWITNGGL[Ala220Pro]NIFTVFAKTE

ClinVar aggregate classification (germline): Likely pathogenic (1 of 4 stars; one submission).

Conditions:
Acyl-CoA dehydrogenase 9 deficiency. Also called: MITOCHONDRIAL COMPLEX I DEFICIENCY, NUCLEAR TYPE 20; Acyl-CoA dehydrogenase family, member 9, deficiency of. Identifiers: Orphanet 99901, MedGen C4747517, MONDO:0012624, OMIM 611126.

Submission:

Victorian Clinical Genetics Services, Murdoch Childrens Research Institute
Classification: Likely pathogenic for Acyl-CoA dehydrogenase 9 deficiency. Last evaluated: 2024-11-21. Review status: criteria provided, single submitter. Criteria: ACMG Guidelines, 2015. Collection method: clinical testing. Allele origin: germline. Affected: yes.
Comment: This variant is classified as Likely pathogenic. Evidence in support of pathogenic classification: Variant is absent from gnomAD (v2, v3 and v4); This variant has moderate functional evidence supporting abnormal protein function. Proteomic analysis of patient fibroblasts show this variant significantly decreases ACAD9 protein, as well as 27 out of 33 Complex I subunits, and key ACAD9-interacting assembly factors (NDUFAF1, ECSIT, and TMEM126B) (mitoMDT consortium); Another missense variant comparable to the one identified in this case has limited previous evidence for pathogenicity. p.(Ala220Val) has been reported in a homozygous individual with mitochondrial dysfunction (PMID: 23996478). Furthermore, functional analysis using patient fibroblasts with homozygous p.(Ala220Val) identified decreased expression and activity of the ACAD9 protein, where introduction of wild type ACAD9 rescued the complex I deficiency in the patient cells (PMID: 23996478); Missense variant predicted to be damaging by an in silico tools or highly conserved with a major amino acid change. Additional information: Variant is predicted to result in a missense amino acid change from alanine to proline; This variant is homozygous; This gene is associated with autosomal recessive disease; An alternative amino acid change at the same position has been observed in gnomAD (v4: 1 heterozygote(s), 0 homozygote(s)); This variant has no previous evidence of pathogenicity; No published segregation evidence has been identified for this variant; Variant is located in the annotated Acyl-CoA dehydrogenase, middle domain (DECIPHER); Loss of function is a known mechanism of disease in this gene and is associated with mitochondrial complex I deficiency, nuclear type 20 (MIM#611126).

Literature cited by the submitters: PubMed 23996478.